The following is an entry in ClinVar:

ClinVar aggregate classification (germline): Uncertain significance (1 of 4 stars; one submission).

Conditions:
Hereditary cancer-predisposing syndrome. Also called: Neoplastic Syndromes, Hereditary; Tumor predisposition; Hereditary neoplastic syndrome; Hereditary Cancer Syndrome. Identifiers: Orphanet 140162, MedGen C0027672, MeSH D009386, MONDO:0015356.
Cardiovascular phenotype. Identifiers: MedGen CN230736.

Submission:

Ambry Genetics
Classification: Uncertain significance for Cardiovascular phenotype; Hereditary cancer-predisposing syndrome. Last evaluated: 2025-04-17. Review status: criteria provided, single submitter. Criteria: Ambry Variant Classification Scheme 2023. Collection method: clinical testing. Allele origin: germline.
Comment: The p.D1715N variant (also known as c.5143G>A), located in coding exon 36 of the NF1 gene, results from a G to A substitution at nucleotide position 5143. The aspartic acid at codon 1715 is replaced by asparagine, an amino acid with highly similar properties. This amino acid position is conserved. In addition, this alteration is predicted to be tolerated by in silico analysis. Based on the available evidence, the clinical significance of this variant remains unclear.

NM_001042492.3(NF1):c.5206G>A (p.Asp1736Asn)

Gene: NF1 (neurofibromin 1; plus strand). Cytogenetic location: 17q11.2.
Variant type: single nucleotide variant.
Coding change: c.5206G>A on transcript NM_001042492.3 (MANE Select); coding-DNA position 5206, G replaced by A.
Protein change: p.Asp1736Asn; replaces aspartic acid 1736 with asparagine.
Molecular consequence: missense variant.
Genome position (GRCh38, 1-based): chr17:31,326,190, G>A. VCF-style: chr17-31326190-G-A. GRCh37 (hg19) VCF-style: chr17-29653208-G-A.
Other names: c.5143G>A, p.Asp1715Asn (NM_000267.4); short protein forms D1715N, D1736N.
Identifiers: ClinVar variation 3237818 (VCV003237818.2), dbSNP rs2151538902.